The following is an entry in ClinVar:

ClinVar aggregate classification (germline): Uncertain significance (1 of 4 stars; one submission).

Conditions:
Inborn genetic diseases. Identifiers: MedGen C0950123, MeSH D030342.

Submission:

Ambry Genetics
Classification: Uncertain significance for Inborn genetic diseases. Last evaluated: 2025-10-22. Review status: criteria provided, single submitter. Criteria: Ambry Variant Classification Scheme 2023. Collection method: clinical testing. Allele origin: germline.
Comment: The p.A123P variant (also known as c.367G>C), located in coding exon 1 of the WT1 gene, results from a G to C substitution at nucleotide position 367. The alanine at codon 123 is replaced by proline, an amino acid with highly similar properties. This amino acid position is conserved. In addition, this alteration is predicted to be tolerated by in silico analysis. Based on the available evidence, the clinical significance of this variant remains unclear.

NM_024426.6(WT1):c.382G>C (p.Ala128Pro)

Genes: WT1 (WT1 transcription factor; minus strand), LOC107982234 (WT1/WT1-AS bi-directional promoter region; plus strand). Cytogenetic location: 11p13.
Variant type: single nucleotide variant.
Coding change: c.382G>C on transcript NM_024426.6 (MANE Select); coding-DNA position 382, G replaced by C.
Protein change: p.Ala128Pro; replaces alanine 128 with proline.
Molecular consequence: missense variant. On other transcripts: non-coding transcript variant (2).
Genome position (GRCh38, 1-based): chr11:32,434,979, C>G on the plus strand (G>C on the coding strand, the complement: WT1 is on the minus strand). VCF-style: chr11-32434979-C-G. GRCh37 (hg19) VCF-style: chr11-32456525-C-G.
Other names: c.163G>C, p.Ala55Pro (NM_001429032.1, NM_001429033.1, NM_001429034.1 and 1 more transcripts); c.382G>C, p.Ala128Pro (NM_024424.5, NM_000378.6, NM_001407044.1 and 6 more transcripts); short protein forms A123P, A55P, A128P.
Identifiers: ClinVar variation 4634858 (VCV004634858.1).